The following is an entry in ClinVar:

ClinVar aggregate classification (germline): Uncertain significance (1 of 4 stars; one submission).

Conditions:
Ehlers-Danlos syndrome, classic type, 1 (EDSCL1). Also called: EHLERS-DANLOS SYNDROME, GRAVIS TYPE; EHLERS-DANLOS SYNDROME, SEVERE CLASSIC TYPE; Ehlers-Danlos syndrome, type 1; Ehlers-Danlos Syndrome, Classic Type, COL5A1-Related; EDS I. Identifiers: MedGen C0268335, MONDO:0019567, OMIM 130000.

gnomAD v4.1: 1 of 1,605,016 alleles (0.000062%); no homozygotes.

Submission:

Labcorp Genetics (formerly Invitae), Labcorp
Classification: Uncertain significance for Ehlers-Danlos syndrome, classic type, 1. Last evaluated: 2023-04-28. Review status: criteria provided, single submitter. Criteria: Invitae Variant Classification Sherloc (09022015). Collection method: clinical testing. Allele origin: germline.
Comment: In summary, the available evidence is currently insufficient to determine the role of this variant in disease. Therefore, it has been classified as a Variant of Uncertain Significance. Advanced modeling of protein sequence and biophysical properties (such as structural, functional, and spatial information, amino acid conservation, physicochemical variation, residue mobility, and thermodynamic stability) performed at Invitae indicates that this missense variant is expected to disrupt COL5A2 protein function. This variant has not been reported in the literature in individuals affected with COL5A2-related conditions. This variant is not present in population databases (gnomAD no frequency). This sequence change replaces glycine, which is neutral and non-polar, with glutamic acid, which is acidic and polar, at codon 1116 of the COL5A2 protein (p.Gly1116Glu).

NM_000393.5(COL5A2):c.3347G>A (p.Gly1116Glu)

Gene: COL5A2 (collagen type V alpha 2 chain; minus strand). Cytogenetic location: 2q32.2.
Variant type: single nucleotide variant.
Coding change: c.3347G>A on transcript NM_000393.5 (MANE Select); coding-DNA position 3347, G replaced by A.
Protein change: p.Gly1116Glu; replaces glycine 1116 with glutamic acid.
Molecular consequence: missense variant.
Genome position (GRCh38, 1-based): chr2:189,045,195, C>T on the plus strand (G>A on the coding strand, the complement: COL5A2 is on the minus strand). VCF-style: chr2-189045195-C-T. GRCh37 (hg19) VCF-style: chr2-189909921-C-T.
Other names: short protein forms G1116E.
Identifiers: ClinVar variation 2860036 (VCV002860036.3), dbSNP rs2469237455, ClinGen allele CA349862167.
Genomic context (GRCh38, chr2:189,045,195, plus strand): 5'-TATATAAGAAAACATTTTTTAAAAAACAAAAAAAGAGAACTTACAGGTAATCCACGTTTC[C>T]CAGCTCGACCAGGTGGTCCTATAGGACCCCGAGAACCCTAAAAGAAATTTACAACAAAAA-3'
Protein context (NP_000384.2, residues 1106-1126): RGPIGPPGRA[Gly1116Glu]KRGLPGPQGP